The following is an entry in ClinVar:

NM_005591.4(MRE11):c.208A>G (p.Lys70Glu)

Gene: MRE11 (MRE11 double strand break repair nuclease; minus strand). Cytogenetic location: 11q21.
Variant type: single nucleotide variant.
Coding change: c.208A>G on transcript NM_005591.4 (MANE Select); coding-DNA position 208, A replaced by G.
Protein change: p.Lys70Glu; replaces lysine 70 with glutamic acid.
Molecular consequence: missense variant.
Genome position (GRCh38, 1-based): chr11:94,486,030, T>C on the plus strand (A>G on the coding strand, the complement: MRE11 is on the minus strand). VCF-style: chr11-94486030-T-C. GRCh37 (hg19) VCF-style: chr11-94219196-T-C.
Other names: c.208A>G, p.Lys70Glu (NM_001330347.2, NM_005590.4); short protein forms K70E.
Identifiers: ClinVar variation 481762 (VCV000481762.8), dbSNP rs1555017247, ClinGen allele CA382379710.
Genomic context (GRCh38, chr11:94,486,030, plus strand): 5'-GGACAGGCCGATCACCCATACAATATTTTCTTAATAACTCGAGGCAGGTATGTAATGTTT[T>C]CCTTGAGGGCTTATTTTCATGAAAAAGATCACCACCTAACAAAATAAAATCCACCTGATC-3'
Protein context (NP_005582.1, residues 60-80): DLFHENKPSR[Lys70Glu]TLHTCLELLR

ClinVar aggregate classification (germline): Uncertain significance. Review status: criteria provided, multiple submitters, no conflicts (2 of 4 stars). 2 submissions from 2 submitters: Uncertain significance (2). Last evaluated 2025-08-25.

Conditions:
Hereditary cancer-predisposing syndrome. Also called: Neoplastic Syndromes, Hereditary; Tumor predisposition; Hereditary Cancer Syndrome; Hereditary neoplastic syndrome. Identifiers: Orphanet 140162, MedGen C0027672, MeSH D009386, MONDO:0015356.

Allele frequency attached by ClinVar (database versions not stated): gnomAD exomes below 0.00001.
gnomAD v4.1: 5 of 1,613,920 alleles (0.00031%); highest among the groups gnomAD compares: Non-Finnish European, 0.00025%; no homozygotes.

Submissions (2):

Ambry Genetics
Classification: Uncertain significance for Hereditary cancer-predisposing syndrome. Last evaluated: 2025-08-25. Review status: criteria provided, single submitter. Criteria: Ambry Variant Classification Scheme 2023. Collection method: clinical testing. Allele origin: germline.
Comment: The p.K70E variant (also known as c.208A>G), located in coding exon 3 of the MRE11A gene, results from an A to G substitution at nucleotide position 208. The lysine at codon 70 is replaced by glutamic acid, an amino acid with similar properties. This amino acid position is well conserved in available vertebrate species. In addition, the in silico prediction for this alteration is inconclusive. Since supporting evidence is limited at this time, the clinical significance of this alteration remains unclear.

Quest Diagnostics Nichols Institute San Juan Capistrano
Classification: Uncertain significance. Last evaluated: 2024-01-09. Review status: criteria provided, single submitter. Criteria: Quest Diagnostics criteria. Collection method: clinical testing. Allele origin: unknown.

Literature cited by the submitters: PubMed 33471991 (cited by Quest Diagnostics Nichols Institute San Juan Capistrano).